The following is an entry in ClinVar:

ClinVar aggregate classification (germline): Benign/Likely benign. Review status: criteria provided, multiple submitters, no conflicts (2 of 4 stars). 4 submissions from 4 submitters: Benign (2); Likely benign (2). Last evaluated 2025-12-12.

Conditions:
CFAP43-related disorder. Also called: CFAP43-related condition.

Allele frequency attached by ClinVar (database versions not stated): gnomAD exomes 0.00044 and 0.00111; ExAC 0.00140; 1000 Genomes Project 0.00399; 1000 Genomes Project 30x 0.00437; gnomAD 0.00452 and 0.00491; ESP Exome Variant Server 0.00477; TOPMed 0.00539.
gnomAD v4.1: 1,355 of 1,603,460 alleles (0.085%); highest among the groups gnomAD compares: African/African-American, 1.6%; 9 homozygotes.

Submissions (4):

PreventionGenetics, part of Exact Sciences
Classification: Likely benign for CFAP43-related condition. Last evaluated: 2025-12-12. Review status: criteria provided, single submitter. Criteria: ACMG Guidelines, 2015. Collection method: clinical testing. Allele origin: germline.
Comment: This variant is classified as likely benign based on ACMG/AMP sequence variant interpretation guidelines (Richards et al. 2015 PMID: 25741868, with internal and published modifications).

Blueprint Genetics
Classification: Likely benign. Last evaluated: 2024-08-06. Review status: criteria provided, single submitter. Criteria: ACMG Guidelines, 2015. Collection method: clinical testing. Allele origin: germline.

Labcorp Genetics (formerly Invitae), Labcorp
Classification: Benign. Last evaluated: 2019-12-31. Review status: criteria provided, single submitter. Criteria: Invitae Variant Classification Sherloc (09022015). Collection method: clinical testing. Allele origin: germline.

Breakthrough Genomics
Classification: Benign. Review status: criteria provided, single submitter. Criteria: ACMG Guidelines, 2015. Collection method: not provided. Allele origin: germline. Inheritance: Autosomal recessive inheritance. Affected: yes.

NM_025145.7(CFAP43):c.4619A>G (p.Glu1540Gly)

Gene: CFAP43 (cilia and flagella associated protein 43; minus strand). Cytogenetic location: 10q25.1.
Variant type: single nucleotide variant.
Coding change: c.4619A>G on transcript NM_025145.7 (MANE Select); coding-DNA position 4619, A replaced by G.
Protein change: p.Glu1540Gly; replaces glutamic acid 1540 with glycine.
Molecular consequence: missense variant.
Genome position (GRCh38, 1-based): chr10:104,132,174, T>C on the plus strand (A>G on the coding strand, the complement: CFAP43 is on the minus strand). VCF-style: chr10-104132174-T-C. GRCh37 (hg19) VCF-style: chr10-105891932-T-C.
Other names: c.4619A>G (NM_025145.6); short protein forms E1540G.
Identifiers: ClinVar variation 717165 (VCV000717165.7), dbSNP rs75941862, ClinGen allele CA5679955.